The following is an entry in ClinVar:

NM_001953.5(TYMP):c.928+3G>A

Genes: TYMP (thymidine phosphorylase; minus strand), LOC130067862 (ATAC-STARR-seq lymphoblastoid silent region 13986; plus strand). Cytogenetic location: 22q13.33.
Variant type: single nucleotide variant.
Coding change: c.928+3G>A on transcript NM_001953.5 (MANE Select); 3 bases into the intron after coding-DNA position 928, G replaced by A.
Molecular consequence: intron variant.
Genome position (GRCh38, 1-based): chr22:50,526,573, C>T on the plus strand (G>A on the coding strand, the complement: TYMP is on the minus strand). VCF-style: chr22-50526573-C-T. GRCh37 (hg19) VCF-style: chr22-50965002-C-T.
Other names: c.928+3G>A (LRG_727t2, LRG_727t1, NM_001257989.1 and 3 more transcripts).
Identifiers: ClinVar variation 507882 (VCV000507882.1), dbSNP rs1310577449, ClinGen allele CA640357362.

ClinVar aggregate classification (germline): Likely benign (1 of 4 stars; one submission).

Allele frequency attached by ClinVar (database versions not stated): gnomAD 0.00001; TOPMed 0.00002; gnomAD exomes 0.00003 and 0.00004.
gnomAD v4.1: 21 of 1,570,334 alleles (0.0013%); highest among the groups gnomAD compares: East Asian, 0.0024%; no homozygotes.

Submission:

GeneDx
Classification: Likely benign. Last evaluated: 2017-03-16. Review status: criteria provided, single submitter. Criteria: GeneDx Variant Classification (06012015). Collection method: clinical testing. Allele origin: germline. Affected: yes.
Comment: This variant is considered likely benign or benign based on one or more of the following criteria: it is a conservative change, it occurs at a poorly conserved position in the protein, it is predicted to be benign by multiple in silico algorithms, and/or has population frequency not consistent with disease.